The following is an entry in ClinVar:

NM_003072.5(SMARCA4):c.4726G>A (p.Glu1576Lys)

Gene: SMARCA4 (SWI/SNF related BAF chromatin remodeling complex subunit ATPase 4; plus strand). Cytogenetic location: 19p13.2.
Variant type: single nucleotide variant.
Coding change: c.4726G>A on transcript NM_003072.5 (MANE Select); coding-DNA position 4726, G replaced by A.
Protein change: p.Glu1576Lys; replaces glutamic acid 1576 with lysine.
Molecular consequence: missense variant. On other transcripts: non-coding transcript variant (1).
Genome position (GRCh38, 1-based): chr19:11,059,843, G>A. VCF-style: chr19-11059843-G-A. GRCh37 (hg19) VCF-style: chr19-11170519-G-A.
Other names: c.4726G>A, p.Glu1576Lys (NM_001128844.3); c.4636G>A, p.Glu1546Lys (NM_001128845.2); c.4633G>A, p.Glu1545Lys (NM_001128846.2); c.4627G>A, p.Glu1543Lys (NM_001128847.4, NM_001374457.1); c.4624G>A, p.Glu1542Lys (NM_001128848.2); c.4822G>A, p.Glu1608Lys (NM_001128849.3, NM_001387283.1); c.4723G>A, p.Glu1575Lys (NM_001411150.1); short protein forms E1543K, E1546K, E1575K, E1545K, E1576K, E1542K, E1608K.
Identifiers: ClinVar variation 2567149 (VCV002567149.3), dbSNP rs1235280916, ClinGen allele CA404079606.

ClinVar aggregate classification (germline): Uncertain significance. Review status: criteria provided, multiple submitters, no conflicts (2 of 4 stars). 2 submissions from 2 submitters: Uncertain significance (2). Last evaluated 2023-10-10.

Conditions:
Hereditary cancer-predisposing syndrome. Also called: Hereditary neoplastic syndrome; Hereditary Cancer Syndrome; Neoplastic Syndromes, Hereditary; Tumor predisposition. Identifiers: Orphanet 140162, MedGen C0027672, MeSH D009386, MONDO:0015356.
Rhabdoid tumor predisposition syndrome 2 (RTPS2). Identifiers: Orphanet 231108, Orphanet 69077, MedGen C2750074, MONDO:0013224, OMIM 613325.

Allele frequency attached by ClinVar (database versions not stated): gnomAD exomes below 0.00001.
gnomAD v4.1: 3 of 1,613,818 alleles (0.00019%); highest among the groups gnomAD compares: Non-Finnish European, 0.00025%; no homozygotes.

Submissions (2):

Baylor Genetics
Classification: Uncertain significance for Rhabdoid tumor predisposition syndrome 2. Last evaluated: 2023-10-10. Review status: criteria provided, single submitter. Criteria: ACMG Guidelines, 2015. Collection method: clinical testing. Allele origin: unknown.

Ambry Genetics
Classification: Uncertain significance for Hereditary cancer-predisposing syndrome. Last evaluated: 2023-05-12. Review status: criteria provided, single submitter. Criteria: Ambry Variant Classification Scheme 2023. Collection method: clinical testing. Allele origin: germline.
Comment: The p.E1608K variant (also known as c.4822G>A), located in coding exon 33 of the SMARCA4 gene, results from a G to A substitution at nucleotide position 4822. The glutamic acid at codon 1608 is replaced by lysine, an amino acid with similar properties. This amino acid position is well conserved in available vertebrate species. In addition, the in silico prediction for this alteration is inconclusive. Missense and in-frame variants in SMARCA4 are known to cause neurodevelopmental disorders; however, such associations with rhabdoid tumor predisposition syndrome including small cell carcinoma of the ovary-hypercalcemic type (SCCOHT) are exceedingly rare (Kosho T et al. Am J Med Genet C Semin Med Genet. 2014 Sep;166C(3):262-75; Jelinic P et al. Nat Genet. 2014 May;46(5):424-6). Based on the supporting evidence, the association of this alteration with Coffin-Siris syndrome is unknown; however, the association of this alteration with rhabdoid tumor predisposition syndrome is unlikely.